The following is an entry in ClinVar:

ClinVar aggregate classification (germline): Uncertain significance. Review status: criteria provided, multiple submitters, no conflicts (2 of 4 stars). 2 submissions from 2 submitters: Uncertain significance (2). Last evaluated 2024-12-18.

Conditions:
Birt-Hogg-Dube syndrome. Also called: Birt Hogg Dubé syndrome. Identifiers: Orphanet 122, MedGen C0346010, MONDO:0800444.
Hereditary cancer-predisposing syndrome. Also called: Neoplastic Syndromes, Hereditary; Hereditary neoplastic syndrome; Tumor predisposition; Hereditary Cancer Syndrome. Identifiers: Orphanet 140162, MedGen C0027672, MeSH D009386, MONDO:0015356.

Submissions (2):

Ambry Genetics
Classification: Uncertain significance for Hereditary cancer-predisposing syndrome. Last evaluated: 2024-12-18. Review status: criteria provided, single submitter. Criteria: Ambry Variant Classification Scheme 2023. Collection method: clinical testing. Allele origin: germline.
Comment: The p.E410G variant (also known as c.1229A>G), located in coding exon 8 of the FLCN gene, results from an A to G substitution at nucleotide position 1229. The glutamic acid at codon 410 is replaced by glycine, an amino acid with similar properties. This amino acid position is highly conserved in available vertebrate species. In addition, this alteration is predicted to be deleterious by in silico analysis. Based on the available evidence, the clinical significance of this variant remains unclear.

Labcorp Genetics (formerly Invitae), Labcorp
Classification: Uncertain significance for Birt-Hogg-Dube syndrome. Last evaluated: 2024-05-02. Review status: criteria provided, single submitter. Criteria: Invitae Variant Classification Sherloc (09022015). Collection method: clinical testing. Allele origin: germline.
Comment: This sequence change replaces glutamic acid, which is acidic and polar, with glycine, which is neutral and non-polar, at codon 410 of the FLCN protein (p.Glu410Gly). This variant is not present in population databases (gnomAD no frequency). This variant has not been reported in the literature in individuals affected with FLCN-related conditions. ClinVar contains an entry for this variant (Variation ID: 843332). Advanced modeling of protein sequence and biophysical properties (such as structural, functional, and spatial information, amino acid conservation, physicochemical variation, residue mobility, and thermodynamic stability) performed at Invitae indicates that this missense variant is not expected to disrupt FLCN protein function with a negative predictive value of 80%. In summary, the available evidence is currently insufficient to determine the role of this variant in disease. Therefore, it has been classified as a Variant of Uncertain Significance.

NM_144997.7(FLCN):c.1229A>G (p.Glu410Gly)

Gene: FLCN (folliculin; minus strand). Cytogenetic location: 17p11.2.
Variant type: single nucleotide variant.
Coding change: c.1229A>G on transcript NM_144997.7 (MANE Select); coding-DNA position 1229, A replaced by G.
Protein change: p.Glu410Gly; replaces glutamic acid 410 with glycine.
Molecular consequence: missense variant.
Genome position (GRCh38, 1-based): chr17:17,216,451, T>C on the plus strand (A>G on the coding strand, the complement: FLCN is on the minus strand). VCF-style: chr17-17216451-T-C. GRCh37 (hg19) VCF-style: chr17-17119765-T-C.
Other names: c.1283A>G, p.Glu428Gly (NM_001353229.2); c.1229A>G, p.Glu410Gly (NM_001353230.2, NM_001353231.2); short protein forms E410G, E428G.
Identifiers: ClinVar variation 843332 (VCV000843332.9), dbSNP rs2046925649, ClinGen allele CA398531832.